The following is an entry in ClinVar:

NM_015047.3(EMC1):c.2702A>G (p.Asp901Gly)

Genes: EMC1 (ER membrane protein complex subunit 1; minus strand), EMC1-AS1 (EMC1 antisense RNA 1; plus strand). Cytogenetic location: 1p36.13.
Variant type: single nucleotide variant.
Coding change: c.2702A>G on transcript NM_015047.3 (MANE Select); coding-DNA position 2702, A replaced by G.
Protein change: p.Asp901Gly; replaces aspartic acid 901 with glycine.
Molecular consequence: missense variant.
Genome position (GRCh38, 1-based): chr1:19,219,669, T>C on the plus strand (A>G on the coding strand, the complement: EMC1 is on the minus strand). VCF-style: chr1-19219669-T-C. GRCh37 (hg19) VCF-style: chr1-19546163-T-C.
Other names: c.2699A>G, p.Asp900Gly (NM_001271427.2, NM_001271428.2); c.2636A>G, p.Asp879Gly (NM_001271429.2); c.2711A>G, p.Asp904Gly (NM_001375820.1); c.2708A>G, p.Asp903Gly (NM_001375821.1); short protein forms D879G, D900G, D901G, D903G, D904G.
Identifiers: ClinVar variation 3907873 (VCV003907873.1).
Genomic context (GRCh38, chr1:19,219,669, plus strand): 5'-CCTCGCATTCGAGAAACTGTCTGGTTATAGTTGATGAATCGCTCTGCGTGTATCTGTACA[T>C]CTGGAGAATACGGGATTAAGTTCTCCTCTCTGCAAAACACCAGCCGGGACAGGCAGTCTG-3'
Protein context (NP_055862.1, residues 891-911): REENLIPYSP[Asp901Gly]VQIHAERFIN

ClinVar aggregate classification (germline): Uncertain significance (1 of 4 stars; one submission).

Submission:

GeneDx
Classification: Uncertain significance. Last evaluated: 2024-12-22. Review status: criteria provided, single submitter. Criteria: GeneDx Variant Classification Process June 2021. Collection method: clinical testing. Allele origin: germline. Affected: yes.
Comment: Not observed at significant frequency in large population cohorts (gnomAD); In silico analysis supports that this missense variant has a deleterious effect on protein structure/function; In silico analysis supports a deleterious effect on splicing; Has not been previously published as pathogenic or benign to our knowledge